The following is an entry in ClinVar:

NM_024642.5(GALNT12):c.1035G>A (p.Arg345=)

Gene: GALNT12 (polypeptide N-acetylgalactosaminyltransferase 12; plus strand). Cytogenetic location: 9q22.33.
Variant type: single nucleotide variant.
Coding change: c.1035G>A on transcript NM_024642.5 (MANE Select); coding-DNA position 1035, G replaced by A.
Protein change: p.Arg345=; no amino-acid change (arginine 345 retained).
Molecular consequence: synonymous variant.
Genome position (GRCh38, 1-based): chr9:98,835,366, G>A. VCF-style: chr9-98835366-G-A. GRCh37 (hg19) VCF-style: chr9-101597648-G-A.
Identifiers: ClinVar variation 1772408 (VCV001772408.4), dbSNP rs778289504, ClinGen allele CA5154139.

ClinVar aggregate classification (germline): Uncertain significance. Review status: criteria provided, multiple submitters, no conflicts (2 of 4 stars). 2 submissions from 2 submitters: Uncertain significance (2). Last evaluated 2024-03-01.

Allele frequency attached by ClinVar (database versions not stated): TOPMed below 0.00001; gnomAD 0.00001.

Submissions (2):

Labcorp Genetics (formerly Invitae), Labcorp
Classification: Uncertain significance. Last evaluated: 2024-03-01. Review status: criteria provided, single submitter. Criteria: Invitae Variant Classification Sherloc (09022015). Collection method: clinical testing. Allele origin: germline.
Comment: This sequence change affects codon 345 of the GALNT12 mRNA. It is a 'silent' change, meaning that it does not change the encoded amino acid sequence of the GALNT12 protein. This variant also falls at the last nucleotide of exon 5, which is part of the consensus splice site for this exon. This variant is present in population databases (rs778289504, gnomAD 0.02%). This variant has not been reported in the literature in individuals affected with GALNT12-related conditions. ClinVar contains an entry for this variant (Variation ID: 1772408). Variants that disrupt the consensus splice site are a relatively common cause of aberrant splicing (PMID: 17576681, 9536098). Algorithms developed to predict the effect of sequence changes on RNA splicing suggest that this variant is not likely to affect RNA splicing. In summary, the available evidence is currently insufficient to determine the role of this variant in disease. Therefore, it has been classified as a Variant of Uncertain Significance.

Ambry Genetics
Classification: Uncertain significance. Last evaluated: 2022-09-20. Review status: criteria provided, single submitter. Criteria: Ambry Variant Classification Scheme 2023. Collection method: clinical testing. Allele origin: germline.
Comment: The c.1035G>A variant (also known as p.R345R), located in coding exon 5 of the GALNT12 gene, results from a G to A substitution at nucleotide position 1035. This nucleotide substitution does not change the amino acid at codon 345. However, this change occurs in the last base pair of coding exon 5, which makes it likely to have some effect on normal mRNA splicing. In silico splice site analysis for this alteration is inconclusive. This nucleotide position is well conserved in available vertebrate species. The evidence for this gene-disease relationship is limited; therefore, the clinical significance of this alteration is unclear.

Literature cited by the submitters: PubMed 17576681 (cited by Labcorp Genetics (formerly Invitae), Labcorp); PubMed 9536098 (cited by Labcorp Genetics (formerly Invitae), Labcorp).